The following is an entry in ClinVar:

ClinVar aggregate classification (germline): Pathogenic/Likely pathogenic. Review status: criteria provided, multiple submitters, no conflicts (2 of 4 stars). 6 submissions from 5 submitters: Pathogenic (2); Likely pathogenic (2). 2 of the submissions do not count toward it. Last evaluated 2025-07-31.

Conditions:
GJB2-related disorder. Also called: GJB2-related condition; GJB2-related disorders. Identifiers: MedGen CN382183, MONDO:1060236.
Monogenic hearing loss.
Autosomal recessive nonsyndromic hearing loss 1A (DFNB1A). Also called: GJB6-Related DFNB 1 Nonsyndromic Hearing Loss and Deafness; Nonsyndromic Hearing Loss and Deafness, DFNB1; Deafness, autosomal recessive 1A; GJB2-Related Autosomal Recessive Nonsyndromic Hearing Loss; Connexin 26 deafness; Deafness nonsyndromic, Connexin 26 linked. Identifiers: Orphanet 90636, MedGen C2673759, MONDO:0009076, OMIM 220290.
Autosomal dominant nonsyndromic hearing loss 3A. Identifiers: Orphanet 90635, MedGen C2675750, MONDO:0011103, OMIM 601544.

Submissions (6):

North West Genomic Laboratory Hub, Manchester University NHS Foundation Trust
Classification: Likely pathogenic for Monogenic hearing loss. Last evaluated: 2025-07-31. Review status: criteria provided, single submitter. Criteria: ACGS Best Practice Guidelines for Variant Classification in Rare Disease 2024. Collection method: clinical testing. Allele origin: germline. Affected: yes.
Comment: PVS1_Mod PM3_Str PM2_Mod

Genetics Laboratory, Great Ormond Street Hospital NHS Foundation Trust, North Thames Genomic Laboratory Hub
Classification: Likely pathogenic for Monogenic hearing loss. Last evaluated: 2025-07-23. Review status: criteria provided, single submitter. Criteria: ACGS Best Practice Guidelines for Variant Classification in Rare Disease 2024 v1.2. Collection method: clinical testing. Allele origin: germline. Affected: yes.
Comment: PM2_moderate, PVS1_moderate, PM3_moderate

Labcorp Genetics (formerly Invitae), Labcorp
Classification: Pathogenic. Last evaluated: 2023-04-20. Review status: criteria provided, single submitter. Criteria: Invitae Variant Classification Sherloc (09022015). Collection method: clinical testing. Allele origin: germline.
Comment: This variant is not present in population databases (gnomAD no frequency). This sequence change creates a premature translational stop signal (p.Thr192Serfs*17) in the GJB2 gene. While this is not anticipated to result in nonsense mediated decay, it is expected to disrupt the last 35 amino acid(s) of the GJB2 protein. This premature translational stop signal has been observed in individual(s) with clinical features of autosomal recessive deafness (PMID: 15967879). For these reasons, this variant has been classified as Pathogenic. This variant disrupts a region of the GJB2 protein in which other variant(s) (p.Leu213*) have been determined to be pathogenic (PMID: 23141775). This suggests that this is a clinically significant region of the protein, and that variants that disrupt it are likely to be disease-causing. ClinVar contains an entry for this variant (Variation ID: 371768).

PreventionGenetics, part of Exact Sciences
Classification: Pathogenic for GJB2-related condition. Last evaluated: 2023-04-17. Review status: criteria provided, single submitter. Criteria: ACMG Guidelines, 2015. Collection method: clinical testing. Allele origin: germline.
Comment: The GJB2 c.575_576delCA variant is predicted to result in a frameshift and premature protein termination (p.Thr192Serfs*17). This variant has been previously reported in an individual with hearing impairment (Marlin et al. 2005. PubMed ID: 15967879). This variant has not been reported in a large population database, indicating this variant is rare. Frameshift variants in GJB2 are expected to be pathogenic. This variant is interpreted as pathogenic.

Counsyl
Classification: Likely pathogenic for Autosomal recessive nonsyndromic hearing loss 1A. Last evaluated: 2016-08-24. Review status: no assertion criteria provided. Collection method: clinical testing. Allele origin: unknown. Not counted in ClinVar's aggregate classification.

Counsyl
Classification: Likely pathogenic for Autosomal dominant nonsyndromic hearing loss 3A. Last evaluated: 2016-08-24. Review status: no assertion criteria provided. Collection method: clinical testing. Allele origin: unknown. Not counted in ClinVar's aggregate classification.

Literature cited by the submitters: PubMed 15967879 (cited by Labcorp Genetics (formerly Invitae), Labcorp and Counsyl); PubMed 23141775 (cited by Labcorp Genetics (formerly Invitae), Labcorp).

NM_004004.6(GJB2):c.575_576del (p.Thr192fs)

Gene: GJB2 (gap junction protein beta 2; minus strand). Cytogenetic location: 13q12.11.
Variant type: Microsatellite.
Coding change: c.575_576del on transcript NM_004004.6 (MANE Select); coding-DNA positions 575 to 576, 2 bases deleted (CA; older notation c.575_576delCA).
Protein change: p.Thr192fs; shifts the reading frame from threonine 192.
Molecular consequence: frameshift variant.
Genome position (GRCh38, 1-based): chr13:20,189,006-20,189,007, TG deleted on the plus strand (CA on the coding strand, the reverse complement: GJB2 is on the minus strand); deleting any 2 consecutive bases within chr13:20,189,006-20,189,009 gives the same sequence; the c. name uses the placement nearest the transcript's 3' end. VCF-style (leftmost placement, unchanged base first): chr13-20189005-CTG-C. GRCh37 (hg19) VCF-style: chr13-20763144-CTG-C.
Other names: short protein forms T192fs.
Identifiers: ClinVar variation 371768 (VCV000371768.11), dbSNP rs1057517521, ClinGen allele CA16041592.